The following is an entry in ClinVar:

ClinVar aggregate classification (germline): Conflicting classifications of pathogenicity. Review status: criteria provided, conflicting classifications (1 of 4 stars). 11 submissions from 11 submitters: Uncertain significance (8); Likely benign (3). Last evaluated 2026-01-26.

Conditions:
Multiple endocrine neoplasia type 2A. Also called: MULTIPLE ENDOCRINE NEOPLASIA, TYPE IIA; PTC SYNDROME; SIPPLE SYNDROME; MEN 2A; MEN-2A syndrome; Pheochromocytoma and amyloid producing medullary thyroid carcinoma. Identifiers: Orphanet 247698, Orphanet 653, MedGen C0025268, MeSH D018813, MONDO:0008234, OMIM 171400.
Pheochromocytoma. Also called: MAX-Related Hereditary Paraganglioma-Pheochromocytoma Syndrome. Identifiers: Orphanet 29072, MedGen C0031511, MONDO:0008233, OMIM 171300, HP:0002666.
Familial medullary thyroid carcinoma (MTC). Also called: Thyroid cancer, familial medullary; MTC, familial; Familial Medullary Thyroid Carcinoma (FMTC). Identifiers: Orphanet 653, Orphanet 99361, MedGen C1833921, MONDO:0007958, OMIM 155240.
Multiple endocrine neoplasia type 2B. Also called: MEN 2B; Multiple endocrine neoplasia, type 3; MULTIPLE ENDOCRINE NEOPLASIA, TYPE IIB; MUCOSAL NEUROMA SYNDROME; NEUROMATA, MUCOSAL, WITH ENDOCRINE TUMORS; WAGENMANN-FROBOESE SYNDROME. Identifiers: Orphanet 247709, Orphanet 653, MedGen C0025269, MeSH D018814, MONDO:0008082, OMIM 162300.
Hirschsprung disease, susceptibility to, 1 (HSCR1). Also called: RET-Related Hirschsprung Disease. Identifiers: Orphanet 388, MedGen C3888239, MONDO:0007723, OMIM 142623.
Hereditary cancer-predisposing syndrome. Also called: Neoplastic Syndromes, Hereditary; Tumor predisposition; Hereditary neoplastic syndrome; Hereditary Cancer Syndrome. Identifiers: Orphanet 140162, MedGen C0027672, MeSH D009386, MONDO:0015356.
Multiple endocrine neoplasia, type 2 (MEN2). Identifiers: Orphanet 653, MedGen C4048306, MONDO:0019003. Disease mechanism: gain of function.

Allele frequency attached by ClinVar (database versions not stated): gnomAD exomes 0.00003; TOPMed 0.00001; ExAC 0.00004; gnomAD 0.00003.
gnomAD v4.1: 31 of 1,613,700 alleles (0.0019%); highest among the groups gnomAD compares: Middle Eastern, 0.033%; no homozygotes.

Submissions (11):

Labcorp Genetics (formerly Invitae), Labcorp
Classification: Uncertain significance for Multiple endocrine neoplasia, type 2. Last evaluated: 2026-01-26. Review status: criteria provided, single submitter. Criteria: Invitae Variant Classification Sherloc (09022015). Collection method: clinical testing. Allele origin: germline.
Comment: This sequence change replaces threonine, which is neutral and polar, with isoleucine, which is neutral and non-polar, at codon 338 of the RET protein (p.Thr338Ile). This variant is present in population databases (rs377767433, gnomAD 0.005%). This missense change has been observed in individual(s) with Hirschsprung's disease and micromedullary thyroid carcinoma (PMID: 11955539, 21810974). ClinVar contains an entry for this variant (Variation ID: 38594). An algorithm developed to predict the effect of missense changes on protein structure and function (PolyPhen-2) suggests that this variant is likely to be tolerated. Experimental studies have shown that this missense change does not substantially affect RET function (PMID: 21810974, 25440022). In summary, the available evidence is currently insufficient to determine the role of this variant in disease. Therefore, it has been classified as a Variant of Uncertain Significance.

Dasa
Classification: Uncertain significance. Last evaluated: 2025-11-25. Review status: criteria provided, single submitter. Criteria: DASA Assertion Criteria. Collection method: clinical testing. Allele origin: germline.
Comment: NM_020975.6(RET):c.1013C>T (p.Thr338Ile) is a missense variant that results in the substitution of threonine with isoleucine. Functional evidence supports an impact on the gene or gene product (PMID: 21810974; PMID: 31510104; PMID: 30624503; PMID: 23211574; PMID: 20516206). Also, this variant is rare in population databases. The currently available literature and clinical evidence are not sufficient to establish a definitive association between this variant and the reported condition. Therefore, this variant is classified as a variant of uncertain significance.

Quest Diagnostics Nichols Institute San Juan Capistrano
Classification: Uncertain significance. Last evaluated: 2025-09-25. Review status: criteria provided, single submitter. Criteria: Quest Diagnostics criteria. Collection method: clinical testing. Allele origin: unknown.

Color Diagnostics, LLC DBA Color Health
Classification: Uncertain significance for Multiple endocrine neoplasia, type 2. Last evaluated: 2025-06-13. Review status: criteria provided, single submitter. Criteria: ACMG Guidelines, 2015. Collection method: clinical testing. Allele origin: germline.
Comment: This missense variant replaces threonine with isoleucine at codon 338 of the RET protein. Computational prediction suggests that this variant may not impact protein structure and function. A functional study has shown that this variant has low transforming ability compared to known pathogenic controls when expressed in transformed mammalian cells (PMID: 21810974). This variant has been reported one individual affected with micro-medullary thyroid cancer (PMID: 20516206, 21810974, 25440022, 31510104) and in one individual with Hirschsprung's disease (PMID: 11955539). This variant has been identified in 8/249506 chromosomes in the general population by the Genome Aggregation Database (gnomAD). The available evidence is insufficient to determine the role of this variant in disease conclusively. Therefore, this variant is classified as a Variant of Uncertain Significance.

Myriad Genetics, Inc.
Classification: Likely benign for Multiple endocrine neoplasia type 2A. Last evaluated: 2025-02-25. Review status: criteria provided, single submitter. Criteria: Myriad Autosomal Dominant, Autosomal Recessive and X-Linked Classification Criteria (2023). Collection method: clinical testing. Allele origin: unknown.
Comment: This variant is considered likely benign. This variant has been observed at a population frequency that is significantly greater than expected given the associated disease prevalence and penetrance.

Baylor Genetics
Classification: Uncertain significance for Hirschsprung disease, susceptibility to, 1. Last evaluated: 2024-03-13. Review status: criteria provided, single submitter. Criteria: ACMG Guidelines, 2015. Collection method: clinical testing. Allele origin: unknown.

Fulgent Genetics
Classification: Uncertain significance for Hirschsprung disease, susceptibility to, 1; Familial medullary thyroid carcinoma; Multiple endocrine neoplasia type 2B; Pheochromocytoma; Multiple endocrine neoplasia type 2A. Last evaluated: 2024-03-05. Review status: criteria provided, single submitter. Criteria: ACMG Guidelines, 2015. Collection method: clinical testing. Allele origin: germline.

GeneDx
Classification: Uncertain significance. Last evaluated: 2024-02-27. Review status: criteria provided, single submitter. Criteria: GeneDx Variant Classification Process June 2021. Collection method: clinical testing. Allele origin: germline. Affected: yes.
Comment: In silico analysis supports that this missense variant does not alter protein structure/function; This variant is associated with the following publications: (PMID: 12939698, 19183406, 11955539, 21810974, 21054478, 20516206, 25440022, 28946813, 30624503, 14633923, 31510104, 35264596)

Ambry Genetics
Classification: Likely benign for Hereditary cancer-predisposing syndrome. Last evaluated: 2019-01-30. Review status: criteria provided, single submitter. Criteria: Ambry Variant Classification Scheme 2023. Collection method: clinical testing. Allele origin: germline.

Institute of Human Genetics, University of Leipzig Medical Center
Classification: Likely benign for Multiple endocrine neoplasia type 2B. Last evaluated: 2019-01-01. Review status: criteria provided, single submitter. Criteria: ACMG Guidelines, 2015. Collection method: clinical testing. Allele origin: unknown. Affected: yes.

Mendelics
Classification: Uncertain significance for Multiple endocrine neoplasia, type 2a. Last evaluated: 2018-07-02. Review status: criteria provided, single submitter. Criteria: Mendelics Assertion Criteria 2017. Collection method: clinical testing. Allele origin: unknown.

Literature cited by the submitters: PubMed 11955539 (cited by 4 submitters); PubMed 21810974 (cited by 4 submitters); PubMed 25440022 (cited by 3 submitters); PubMed 31510104 (cited by Dasa and Color Diagnostics, LLC DBA Color Health); PubMed 30624503 (cited by Dasa); PubMed 23211574 (cited by Dasa); PubMed 20516206 (cited by Dasa and Color Diagnostics, LLC DBA Color Health); PubMed 22493660 (cited by Dasa); PubMed 28946813 (cited by Dasa); PubMed 21054478 (cited by Dasa).

NM_020975.6(RET):c.1013C>T (p.Thr338Ile)

Gene: RET (ret proto-oncogene; plus strand). Cytogenetic location: 10q11.21.
Variant type: single nucleotide variant.
Coding change: c.1013C>T on transcript NM_020975.6 (MANE Select); coding-DNA position 1013, C replaced by T.
Protein change: p.Thr338Ile; replaces threonine 338 with isoleucine.
Molecular consequence: missense variant.
Genome position (GRCh38, 1-based): chr10:43,106,521, C>T. VCF-style: chr10-43106521-C-T. GRCh37 (hg19) VCF-style: chr10-43601969-C-T.
Other names: c.725C>T, p.Thr242Ile (NM_001406767.1, NM_001406770.1, NM_001406766.1); c.884C>T, p.Thr295Ile (NM_001406768.1, NM_001406761.1, NM_001406762.1 and 1 more transcripts); c.1013C>T, p.Thr338Ile (NM_020629.2, NM_020630.7, NM_000323.2 and 6 more transcripts); c.251C>T, p.Thr84Ile (NM_001355216.2); short protein forms T338I, T84I, T242I, T295I.
Identifiers: ClinVar variation 38594 (VCV000038594.23), dbSNP rs377767433, ClinGen allele CA007399.